The following is an entry in ClinVar:

NM_005677.4(COLQ):c.366+7A>G

Gene: COLQ (collagen like tail subunit of asymmetric acetylcholinesterase; minus strand). Cytogenetic location: 3p25.1.
Variant type: single nucleotide variant.
Coding change: c.366+7A>G on transcript NM_005677.4 (MANE Select); 7 bases into the intron after coding-DNA position 366, A replaced by G.
Molecular consequence: intron variant.
Genome position (GRCh38, 1-based): chr3:15,479,331, T>C on the plus strand (A>G on the coding strand, the complement: COLQ is on the minus strand). VCF-style: chr3-15479331-T-C. GRCh37 (hg19) VCF-style: chr3-15520838-T-C.
Other names: p.?; c.264+7A>G (NM_080539.4); c.336+7A>G (NM_080538.2).
Identifiers: ClinVar variation 128826 (VCV000128826.26), dbSNP rs750387, ClinGen allele CA152477.

ClinVar aggregate classification (germline): Benign. Review status: criteria provided, multiple submitters, no conflicts (2 of 4 stars). 11 submissions from 11 submitters: Benign (8). 3 of the submissions do not count toward it. Last evaluated 2026-02-04.

Conditions:
Congenital myasthenic syndrome 5. Identifiers: Orphanet 590, MedGen C1864233, MONDO:0011281, OMIM 603034.

Allele frequency attached by ClinVar (database versions not stated): gnomAD exomes 0.03080 and 0.03534; ExAC 0.03192; 1000 Genomes Project 0.03574; 1000 Genomes Project 30x 0.03779; gnomAD 0.04213 and 0.04329; TOPMed 0.04438; ESP Exome Variant Server 0.04813.
gnomAD v4.1: 58,359 of 1,613,144 alleles (3.6%); highest among the groups gnomAD compares: Middle Eastern, 7%; 1,203 homozygotes.

Submissions (11):

Labcorp Genetics (formerly Invitae), Labcorp
Classification: Benign for Congenital myasthenic syndrome 5. Last evaluated: 2026-02-04. Review status: criteria provided, single submitter. Criteria: Invitae Variant Classification Sherloc (09022015). Collection method: clinical testing. Allele origin: germline.

Mayo Clinic Laboratories, Mayo Clinic
Classification: Benign. Last evaluated: 2022-03-24. Review status: criteria provided, single submitter. Criteria: ACMG Guidelines, 2015. Collection method: clinical testing. Allele origin: germline. Observed: 26 variant alleles.

Athena Diagnostics
Classification: Benign. Last evaluated: 2020-11-06. Review status: criteria provided, single submitter. Criteria: Athena Diagnostics criteria. Collection method: clinical testing. Allele origin: unknown.

Illumina Laboratory Services, Illumina
Classification: Benign for Congenital myasthenic syndrome 5. Last evaluated: 2018-01-13. Review status: criteria provided, single submitter. Criteria: ICSL Variant Classification Criteria 13 December 2019. Collection method: clinical testing. Allele origin: germline.
Comment: This variant was observed in the ICSL laboratory as part of a predisposition screen in an ostensibly healthy population. It had not been previously curated by ICSL or reported in the Human Gene Mutation Database (HGMD: prior to June 1st, 2018), and was therefore a candidate for classification through an automated scoring system. Utilizing variant allele frequency, disease prevalence and penetrance estimates, and inheritance mode, an automated score was calculated to assess if this variant is too frequent to cause the disease. Based on the score and internal cut-off values, a variant classified as benign is not then subjected to further curation. The score for this variant resulted in a classification of benign for this disease.

GeneDx
Classification: Benign. Last evaluated: 2016-10-10. Review status: criteria provided, single submitter. Criteria: GeneDx Variant Classification (06012015). Collection method: clinical testing. Allele origin: germline. Affected: yes.
Comment: This variant is considered likely benign or benign based on one or more of the following criteria: it is a conservative change, it occurs at a poorly conserved position in the protein, it is predicted to be benign by multiple in silico algorithms, and/or has population frequency not consistent with disease.

Genetic Services Laboratory, University of Chicago
Classification: Benign for AllHighlyPenetrant. Last evaluated: 2013-08-15. Review status: criteria provided, single submitter. Criteria: ACMG Guidelines, 2007. Collection method: clinical testing. Allele origin: germline. Inheritance: Autosomal recessive inheritance.

Breakthrough Genomics
Classification: Benign. Review status: criteria provided, single submitter. Criteria: ACMG Guidelines, 2015. Collection method: not provided. Allele origin: germline. Inheritance: Autosomal recessive inheritance. Affected: yes.

PreventionGenetics, part of Exact Sciences
Classification: Benign. Review status: criteria provided, single submitter. Criteria: ACMG Guidelines, 2015. Collection method: clinical testing. Allele origin: germline.

Genome Diagnostics Laboratory, University Medical Center Utrecht
Classification: Benign. Review status: no assertion criteria provided. Collection method: clinical testing. Allele origin: germline. Affected: yes. Study: VKGL Data-share Consensus. Not counted in ClinVar's aggregate classification.

Joint Genome Diagnostic Labs from Nijmegen and Maastricht, Radboudumc and MUMC+
Classification: Benign. Review status: no assertion criteria provided. Collection method: clinical testing. Allele origin: germline. Affected: yes. Study: VKGL Data-share Consensus. Not counted in ClinVar's aggregate classification.

Laboratory of Diagnostic Genome Analysis, Leiden University Medical Center (LUMC)
Classification: Likely benign. Review status: no assertion criteria provided. Collection method: clinical testing. Allele origin: germline. Affected: yes. Study: VKGL Data-share Consensus. Not counted in ClinVar's aggregate classification.